The following is an entry in ClinVar:

NM_004713.6(NEMF):c.1336_1340del (p.Gln445_Lys446insTer)

Gene: NEMF (nuclear export mediator factor; minus strand). Cytogenetic location: 14q21.3.
Variant type: Deletion.
Coding change: c.1336_1340del on transcript NM_004713.6 (MANE Select); coding-DNA positions 1336 to 1340, 5 bases deleted (AAGAA; older notation c.1336_1340delAAGAA).
Protein change: p.Gln445_Lys446insTer.
Molecular consequence: nonsense.
Genome position (GRCh38, 1-based): chr14:49,828,700-49,828,704, TTCTT deleted on the plus strand (AAGAA on the coding strand, the reverse complement: NEMF is on the minus strand); deleting any 5 consecutive bases within chr14:49,828,700-49,828,706 gives the same sequence; the c. name uses the placement nearest the transcript's 3' end. VCF-style (leftmost placement, unchanged base first): chr14-49828699-ATTCTT-A. GRCh37 (hg19) VCF-style: chr14-50295417-ATTCTT-A.
Other names: c.1336_1340del, p.Gln445_Lys446insTer (NM_001301732.3).
Identifiers: ClinVar variation 2630635 (VCV002630635.1), dbSNP rs2503266718, ClinGen allele CA2624749097.

ClinVar aggregate classification (germline): Likely pathogenic (1 of 4 stars; one submission).

Conditions:
NEMF-related disorder. Also called: NEMF-related condition.

Submission:

PreventionGenetics, part of Exact Sciences
Classification: Likely pathogenic for NEMF-related condition. Last evaluated: 2023-03-17. Review status: criteria provided, single submitter. Criteria: ACMG Guidelines, 2015. Collection method: clinical testing. Allele origin: germline.
Comment: The NEMF c.1336_1340del5 variant is predicted to result in premature protein termination (p.Lys446*). To our knowledge, this variant has not been reported in the literature or in a large population database, indicating this variant is rare. Nonsense variants in NEMF are expected to be pathogenic. This variant is interpreted as likely pathogenic.